The following is an entry in ClinVar:

ClinVar aggregate classification (germline): Pathogenic (1 of 4 stars; one submission).

Conditions:
Cornelia de Lange syndrome 1 (CDLS1). Also called: Brachmann de Lange syndrome; TYPUS DEGENERATIVUS AMSTELODAMENSIS; NIPBL-Related Cornelia de Lange Syndrome. Identifiers: Orphanet 199, MedGen C4551851, MONDO:0007387, OMIM 122470.

Submission:

Labcorp Genetics (formerly Invitae), Labcorp
Classification: Pathogenic for Cornelia de Lange syndrome 1. Last evaluated: 2018-06-11. Review status: criteria provided, single submitter. Criteria: Invitae Variant Classification Sherloc (09022015). Collection method: clinical testing. Allele origin: germline.
Comment: For these reasons, this variant has been classified as Pathogenic. Loss-of-function variants in NIPBL are known to be pathogenic (PMID: 24038889). This variant has not been reported in the literature in individuals with NIPBL-related disease. This variant is not present in population databases (ExAC no frequency). This sequence change creates a premature translational stop signal (p.Leu2619*) in the NIPBL gene. It is expected to result in an absent or disrupted protein product.

Literature cited by the submitters: PubMed 24038889.

NM_133433.4(NIPBL):c.7854del (p.Tyr2618_Leu2619insTer)

Gene: NIPBL (NIPBL cohesin loading factor; plus strand). Cytogenetic location: 5p13.2.
Variant type: Deletion.
Coding change: c.7854del on transcript NM_133433.4 (MANE Select); coding-DNA position 7854, one base deleted (T; older notation c.7854delT).
Protein change: p.Tyr2618_Leu2619insTer.
Molecular consequence: frameshift variant.
Genome position (GRCh38, 1-based): chr5:37,061,012, T deleted. VCF-style (leftmost placement, unchanged base first): chr5-37061011-AT-A. GRCh37 (hg19) VCF-style: chr5-37061113-AT-A.
Other names: c.7854del, p.Tyr2618_Leu2619insTer (NM_015384.5).
Identifiers: ClinVar variation 1070037 (VCV001070037.7), dbSNP rs2149755687, ClinGen allele CA2499217840.